The following is an entry in ClinVar:

ClinVar aggregate classification (germline): Benign (1 of 4 stars; one submission).

Allele frequency attached by ClinVar (database versions not stated): gnomAD exomes 0.00472; gnomAD 0.04799 and 0.05167; 1000 Genomes Project 0.05112; 1000 Genomes Project 30x 0.05372; TOPMed 0.05465.
gnomAD v4.1: 11,290 of 948,784 alleles (1.2%); highest among the groups gnomAD compares: African/African-American, 16%; 880 homozygotes.

Submission:

GeneDx
Classification: Benign. Last evaluated: 2018-06-19. Review status: criteria provided, single submitter. Criteria: GeneDx Variant Classification (06012015). Collection method: clinical testing. Allele origin: germline. Affected: yes.
Comment: This variant is considered likely benign or benign based on one or more of the following criteria: it is a conservative change, it occurs at a poorly conserved position in the protein, it is predicted to be benign by multiple in silico algorithms, and/or has population frequency not consistent with disease.

NM_000548.5(TSC2):c.3397+126C>T

Gene: TSC2 (TSC complex subunit 2; plus strand). Cytogenetic location: 16p13.3.
Variant type: single nucleotide variant.
Coding change: c.3397+126C>T on transcript NM_000548.5 (MANE Select); 126 bases into the intron after coding-DNA position 3397, C replaced by T.
Molecular consequence: intron variant.
Genome position (GRCh38, 1-based): chr16:2,079,795, C>T. VCF-style: chr16-2079795-C-T. GRCh37 (hg19) VCF-style: chr16-2129796-C-T.
Other names: c.3397+126C>T (NM_001114382.3); c.3268+126C>T (NM_021055.3, NM_001370405.1, NM_001363528.2); c.3265+126C>T (NM_001370404.1, NM_001077183.3); c.3157+126C>T (NM_001318827.2); c.2665+126C>T (NM_001318831.2); c.3121+126C>T (NM_001318829.2); c.3298+126C>T (NM_001318832.2).
Identifiers: ClinVar variation 677254 (VCV000677254.1), dbSNP rs115243225, ClinGen allele CA14309699.